The following is an entry in ClinVar:

ClinVar aggregate classification (germline): Uncertain significance (1 of 4 stars; one submission).

Allele frequency attached by ClinVar (database versions not stated): gnomAD 0.00001; ExAC 0.00007; TOPMed 0.00002; gnomAD exomes 0.00002.
gnomAD v4.1: 37 of 1,613,760 alleles (0.0023%); highest among the groups gnomAD compares: Admixed American, 0.033%; 1 homozygote.

Submission:

Labcorp Genetics (formerly Invitae), Labcorp
Classification: Uncertain significance. Last evaluated: 2025-02-12. Review status: criteria provided, single submitter. Criteria: Invitae Variant Classification Sherloc (09022015). Collection method: clinical testing. Allele origin: germline.
Comment: This sequence change replaces alanine, which is neutral and non-polar, with valine, which is neutral and non-polar, at codon 182 of the SLC7A9 protein (p.Ala182Val). This variant is present in population databases (rs749323303, gnomAD 0.05%). This variant has not been reported in the literature in individuals affected with SLC7A9-related conditions. ClinVar contains an entry for this variant (Variation ID: 2719727). Invitae Evidence Modeling of protein sequence and biophysical properties (such as structural, functional, and spatial information, amino acid conservation, physicochemical variation, residue mobility, and thermodynamic stability) indicates that this missense variant is not expected to disrupt SLC7A9 protein function with a negative predictive value of 80%. This variant disrupts the p.Ala182 amino acid residue in SLC7A9. Other variant(s) that disrupt this residue have been determined to be pathogenic (PMID: 10471498, 11157794, 11260385, 15635077, 25109415, 25296721, 25964309, 28646536). This suggests that this residue is clinically significant, and that variants that disrupt this residue are likely to be disease-causing. In summary, the available evidence is currently insufficient to determine the role of this variant in disease. Therefore, it has been classified as a Variant of Uncertain Significance.

Literature cited by the submitters: PubMed 10471498; PubMed 11157794; PubMed 11260385; PubMed 15635077; PubMed 25109415; PubMed 25296721; PubMed 25964309; PubMed 28646536.

NM_014270.5(SLC7A9):c.545C>T (p.Ala182Val)

Gene: SLC7A9 (solute carrier family 7 member 9; minus strand). Cytogenetic location: 19q13.11.
Variant type: single nucleotide variant.
Coding change: c.545C>T on transcript NM_014270.5 (MANE Select); coding-DNA position 545, C replaced by T.
Protein change: p.Ala182Val; replaces alanine 182 with valine.
Molecular consequence: missense variant.
Genome position (GRCh38, 1-based): chr19:32,862,520, G>A on the plus strand (C>T on the coding strand, the complement: SLC7A9 is on the minus strand). VCF-style: chr19-32862520-G-A. GRCh37 (hg19) VCF-style: chr19-33353426-G-A.
Other names: c.545C>T, p.Ala182Val (NM_001126335.2, NM_001243036.2); short protein forms A182V.
Identifiers: ClinVar variation 2719727 (VCV002719727.3), dbSNP rs749323303, ClinGen allele CA9358790.
Genomic context (GRCh38, chr19:32,862,520, plus strand): 5'-CCTTGGGCCAGGAGCACCAGCCCGCTGATGATGATGATGGCCACGATCACCAGCTTGGCC[G>A]CGGTGAAGATGTTCTGGACGTAGCTTCCCAGCCGCACGCTCAGTGAGTTCACTGTCGAGA-3'
Protein context (NP_055085.1, residues 172-192): LGSYVQNIFT[Ala182Val]AKLVIVAIII